The following is an entry in ClinVar:

ClinVar aggregate classification (germline): Likely benign (1 of 4 stars; one submission).

gnomAD v4.1: 6 of 1,613,478 alleles (0.00037%); highest among the groups gnomAD compares: Admixed American, 0.0017%; no homozygotes.

Submission:

CeGaT Center for Human Genetics Tuebingen
Classification: Likely benign. Last evaluated: 2026-03-01. Review status: criteria provided, single submitter. Criteria: CeGaT Center For Human Genetics Tuebingen Variant Classification Criteria Version 2. Collection method: clinical testing. Allele origin: germline. Affected: yes. Observed: 2 variant alleles.
Comment: ABHD14A-ACY1: BP4, BP7; ACY1: BP4, BP7

NM_000666.3(ACY1):c.18C>G (p.Pro6=)

Genes: ABHD14A-ACY1 (ABHD14A-ACY1 readthrough; plus strand), ACY1 (aminoacylase 1; plus strand). Cytogenetic location: 3p21.2.
Variant type: single nucleotide variant.
Coding change: c.18C>G on transcript NM_000666.3 (MANE Select); coding-DNA position 18, C replaced by G.
Protein change: p.Pro6=; no amino-acid change (proline 6 retained).
Molecular consequence: synonymous variant.
Genome position (GRCh38, 1-based): chr3:51,984,082, C>G. VCF-style: chr3-51984082-C-G. GRCh37 (hg19) VCF-style: chr3-52018098-C-G.
Other names: c.288C>G, p.Pro96= (NM_001316331.2); c.18C>G, p.Pro6= (NM_001198895.2, NM_001198896.2, NM_001198897.2 and 1 more transcripts).
Identifiers: ClinVar variation 4821440 (VCV004821440.4).